The following is an entry in ClinVar:

NM_001367624.2(ZNF469):c.3332T>C (p.Phe1111Ser)

Gene: ZNF469 (zinc finger protein 469; plus strand). Cytogenetic location: 16q24.2.
Variant type: single nucleotide variant.
Coding change: c.3332T>C on transcript NM_001367624.2 (MANE Select); coding-DNA position 3332, T replaced by C.
Protein change: p.Phe1111Ser; replaces phenylalanine 1111 with serine.
Molecular consequence: missense variant.
Genome position (GRCh38, 1-based): chr16:88,430,802, T>C. VCF-style: chr16-88430802-T-C. GRCh37 (hg19) VCF-style: chr16-88497210-T-C.
Other names: NM_001127464.1:c.3248T>C; short protein forms F1111S.
Identifiers: ClinVar variation 1339823 (VCV001339823.6), dbSNP rs765069829, ClinGen allele CA8224845.

ClinVar aggregate classification (germline): Uncertain significance. Review status: criteria provided, multiple submitters, no conflicts (2 of 4 stars). 2 submissions from 2 submitters: Uncertain significance (2). Last evaluated 2022-11-21.

Conditions:
Brittle cornea syndrome 1 (BCS1). Also called: CORNEAL FRAGILITY, KERATOGLOBUS, BLUE SCLERAE, JOINT HYPEREXTENSIBILITY; EDS6B; FRAGILITAS OCULI WITH JOINT HYPEREXTENSIBILITY; Corneal fragility keratoglobus, blue sclerae AND joint hypermobility; DYSGENESIS MESODERMALIS CORNEAE ET SCLERAE. Identifiers: Orphanet 90354, MedGen C0268344, MONDO:0024543, OMIM 229200.
Cardiovascular phenotype. Identifiers: MedGen CN230736.

Allele frequency attached by ClinVar (database versions not stated): gnomAD exomes 0.00002 and 0.00001; gnomAD 0.00003 and 0.00004; TOPMed 0.00003; ExAC 0.00010.
gnomAD v4.1: 24 of 1,528,302 alleles (0.0016%); highest among the groups gnomAD compares: Admixed American, 0.006%; no homozygotes.

Submissions (2):

Ambry Genetics
Classification: Uncertain significance for Cardiovascular phenotype. Last evaluated: 2022-11-21. Review status: criteria provided, single submitter. Criteria: Ambry Variant Classification Scheme 2023. Collection method: clinical testing. Allele origin: germline.
Comment: The p.F1083S variant (also known as c.3248T>C), located in coding exon 2 of the ZNF469 gene, results from a T to C substitution at nucleotide position 3248. The phenylalanine at codon 1083 is replaced by serine, an amino acid with highly dissimilar properties. This amino acid position is conserved. In addition, this alteration is predicted to be tolerated by in silico analysis. Since supporting evidence is limited at this time, the clinical significance of this alteration remains unclear.

Labcorp Genetics (formerly Invitae), Labcorp
Classification: Uncertain significance. Last evaluated: 2022-10-17. Review status: criteria provided, single submitter. Criteria: Invitae Variant Classification Sherloc (09022015). Collection method: clinical testing. Allele origin: germline.
Comment: This sequence change replaces phenylalanine, which is neutral and non-polar, with serine, which is neutral and polar, at codon 1083 of the ZNF469 protein (p.Phe1083Ser). This variant is present in population databases (rs765069829, gnomAD 0.009%). This variant has not been reported in the literature in individuals affected with ZNF469-related conditions. ClinVar contains an entry for this variant (Variation ID: 1339823). Algorithms developed to predict the effect of missense changes on protein structure and function output the following: SIFT: "Deleterious"; PolyPhen-2: "Benign"; Align-GVGD: "Class C0". The serine amino acid residue is found in multiple mammalian species, which suggests that this missense change does not adversely affect protein function. In summary, the available evidence is currently insufficient to determine the role of this variant in disease. Therefore, it has been classified as a Variant of Uncertain Significance.